The following is an entry in ClinVar:

ClinVar aggregate classification (germline): Uncertain significance. Review status: criteria provided, multiple submitters, no conflicts (2 of 4 stars). 2 submissions from 2 submitters: Uncertain significance (2). Last evaluated 2025-11-05.

Conditions:
Ciliary dyskinesia, primary, 37 (CILD37). Also called: CILIARY DYSKINESIA, PRIMARY, 37, WITH OR WITHOUT SITUS INVERSUS. Identifiers: MedGen C4539798, MONDO:0033204, OMIM 617577.
Spermatogenic failure 18. Identifiers: MedGen C4539783, MONDO:0054615, OMIM 617576.

Allele frequency attached by ClinVar (database versions not stated): gnomAD exomes 0.00003; ExAC 0.00005; gnomAD 0.00007 and 0.00008; ESP Exome Variant Server 0.00016; TOPMed 0.00005.
gnomAD v4.1: 62 of 1,613,778 alleles (0.0038%); highest among the groups gnomAD compares: Non-Finnish European, 0.005%; no homozygotes.

Submissions (2):

Labcorp Genetics (formerly Invitae), Labcorp
Classification: Uncertain significance for Ciliary dyskinesia, primary, 37; Spermatogenic failure 18. Last evaluated: 2025-11-05. Review status: criteria provided, single submitter. Criteria: Invitae Variant Classification Sherloc (09022015). Collection method: clinical testing. Allele origin: germline.
Comment: This sequence change replaces proline, which is neutral and non-polar, with serine, which is neutral and polar, at codon 283 of the DNAH1 protein (p.Pro283Ser). This variant is present in population databases (rs371481904, gnomAD 0.009%). This variant has not been reported in the literature in individuals affected with DNAH1-related conditions. ClinVar contains an entry for this variant (Variation ID: 544606). An algorithm developed to predict the effect of missense changes on protein structure and function (PolyPhen-2) suggests that this variant is likely to be tolerated. In summary, the available evidence is currently insufficient to determine the role of this variant in disease. Therefore, it has been classified as a Variant of Uncertain Significance.

Ambry Genetics
Classification: Uncertain significance. Last evaluated: 2025-06-29. Review status: criteria provided, single submitter. Criteria: Ambry Variant Classification Scheme 2023. Collection method: clinical testing. Allele origin: germline.

NM_015512.5(DNAH1):c.847C>T (p.Pro283Ser)

Gene: DNAH1 (dynein axonemal heavy chain 1; plus strand). Cytogenetic location: 3p21.1.
Variant type: single nucleotide variant.
Coding change: c.847C>T on transcript NM_015512.5 (MANE Select); coding-DNA position 847, C replaced by T.
Protein change: p.Pro283Ser; replaces proline 283 with serine.
Molecular consequence: missense variant.
Genome position (GRCh38, 1-based): chr3:52,327,990, C>T. VCF-style: chr3-52327990-C-T. GRCh37 (hg19) VCF-style: chr3-52362006-C-T.
Other names: short protein forms P283S.
Identifiers: ClinVar variation 544606 (VCV000544606.6), dbSNP rs371481904, ClinGen allele CA2432778.